The following is an entry in ClinVar:

ClinVar aggregate classification (germline): Uncertain significance (1 of 4 stars; one submission).

Submission:

Dasa
Classification: Uncertain significance. Last evaluated: 2026-04-30. Review status: criteria provided, single submitter. Criteria: DASA Assertion Criteria. Collection method: clinical testing. Allele origin: germline.
Comment: NM_016235.3(GPRC5B):c.463A>G (p.Thr155Ala) is a missense variant that results in the substitution of threonine with alanine. This variant is rare in population databases. The currently available literature and clinical evidence are not sufficient to establish a definitive association between this variant and the reported condition. Therefore, this variant is classified as a variant of uncertain significance.

NM_016235.3(GPRC5B):c.463A>G (p.Thr155Ala)

Gene: GPRC5B (G protein-coupled receptor class C group 5 member B; minus strand). Cytogenetic location: 16p12.3.
Variant type: single nucleotide variant.
Coding change: c.463A>G on transcript NM_016235.3 (MANE Select); coding-DNA position 463, A replaced by G.
Protein change: p.Thr155Ala; replaces threonine 155 with alanine.
Molecular consequence: missense variant.
Genome position (GRCh38, 1-based): chr16:19,872,383, T>C on the plus strand (A>G on the coding strand, the complement: GPRC5B is on the minus strand). VCF-style: chr16-19872383-T-C. GRCh37 (hg19) VCF-style: chr16-19883705-T-C.
Other names: c.856A>G, p.Thr286Ala (NM_001304771.1); short protein forms T155A, T286A.
Identifiers: ClinVar variation 5020656 (VCV005020656.1).